The following is an entry in ClinVar:

ClinVar aggregate classification (germline): Uncertain significance (1 of 4 stars; one submission).

Conditions:
Familial cancer of breast. Also called: Hereditary breast cancer; BREAST CANCER, FAMILIAL; hereditary breast carcinoma. Identifiers: Orphanet 227535, MedGen C0346153, MONDO:0016419, OMIM 114480. Disease mechanism: loss of function.

Submission:

Labcorp Genetics (formerly Invitae), Labcorp
Classification: Uncertain significance for Familial cancer of breast. Last evaluated: 2021-08-22. Review status: criteria provided, single submitter. Criteria: Invitae Variant Classification Sherloc (09022015). Collection method: clinical testing. Allele origin: germline.
Comment: In summary, the available evidence is currently insufficient to determine the role of this variant in disease. Therefore, it has been classified as a Variant of Uncertain Significance. Algorithms developed to predict the effect of missense changes on protein structure and function output the following: SIFT: "Tolerated"; PolyPhen-2: "Possibly Damaging"; Align-GVGD: "Class C0". The valine amino acid residue is found in multiple mammalian species, which suggests that this missense change does not adversely affect protein function. This variant has not been reported in the literature in individuals affected with PALB2-related conditions. This variant is not present in population databases (ExAC no frequency). This sequence change replaces aspartic acid with valine at codon 123 of the PALB2 protein (p.Asp123Val). The aspartic acid residue is moderately conserved and there is a large physicochemical difference between aspartic acid and valine.

NM_024675.4(PALB2):c.368A>T (p.Asp123Val)

Gene: PALB2 (partner and localizer of BRCA2; minus strand). Cytogenetic location: 16p12.2.
Variant type: single nucleotide variant.
Coding change: c.368A>T on transcript NM_024675.4 (MANE Select); coding-DNA position 368, A replaced by T.
Protein change: p.Asp123Val; replaces aspartic acid 123 with valine.
Molecular consequence: missense variant.
Genome position (GRCh38, 1-based): chr16:23,636,178, T>A on the plus strand (A>T on the coding strand, the complement: PALB2 is on the minus strand). VCF-style: chr16-23636178-T-A. GRCh37 (hg19) VCF-style: chr16-23647499-T-A.
Other names: short protein forms D123V.
Identifiers: ClinVar variation 1485274 (VCV001485274.7), dbSNP rs2142445019, ClinGen allele CA395137544.